The following is an entry in ClinVar:

NM_006415.4(SPTLC1):c.1126G>C (p.Ala376Pro)

Gene: SPTLC1 (serine palmitoyltransferase long chain base subunit 1; minus strand). Cytogenetic location: 9q22.31.
Variant type: single nucleotide variant.
Coding change: c.1126G>C on transcript NM_006415.4 (MANE Select); coding-DNA position 1126, G replaced by C.
Protein change: p.Ala376Pro; replaces alanine 376 with proline.
Molecular consequence: missense variant.
Genome position (GRCh38, 1-based): chr9:92,046,009, C>G on the plus strand (G>C on the coding strand, the complement: SPTLC1 is on the minus strand). VCF-style: chr9-92046009-C-G. GRCh37 (hg19) VCF-style: chr9-94808291-C-G.
Other names: c.1126G>C, p.Ala376Pro (NM_001281303.2); c.760G>C, p.Ala254Pro (NM_001368272.1); c.661G>C, p.Ala221Pro (NM_001368273.1); short protein forms A221P, A254P, A376P.
Identifiers: ClinVar variation 963908 (VCV000963908.9), dbSNP rs1280089627, ClinGen allele CA373792096.

ClinVar aggregate classification (germline): Uncertain significance (1 of 4 stars; one submission).

Conditions:
Hereditary sensory and autonomic neuropathy type 1 (HSAN1). Also called: HSN Type I; Hereditary Sensory Neuropathy Type I; HSAN 1. Identifiers: Orphanet 36386, MedGen C0020071, MONDO:0018213.

Allele frequency attached by ClinVar (database versions not stated): gnomAD exomes 0.00001; TOPMed 0.00001.

Submission:

Labcorp Genetics (formerly Invitae), Labcorp
Classification: Uncertain significance for Hereditary sensory and autonomic neuropathy type 1. Last evaluated: 2024-07-03. Review status: criteria provided, single submitter. Criteria: Invitae Variant Classification Sherloc (09022015). Collection method: clinical testing. Allele origin: germline.
Comment: This sequence change replaces alanine, which is neutral and non-polar, with proline, which is neutral and non-polar, at codon 376 of the SPTLC1 protein (p.Ala376Pro). This variant is present in population databases (no rsID available, gnomAD 0.003%). This variant has not been reported in the literature in individuals affected with SPTLC1-related conditions. ClinVar contains an entry for this variant (Variation ID: 963908). Advanced modeling of protein sequence and biophysical properties (such as structural, functional, and spatial information, amino acid conservation, physicochemical variation, residue mobility, and thermodynamic stability) performed at Invitae indicates that this missense variant is not expected to disrupt SPTLC1 protein function with a negative predictive value of 80%. In summary, the available evidence is currently insufficient to determine the role of this variant in disease. Therefore, it has been classified as a Variant of Uncertain Significance.